The following is an entry in ClinVar:

NM_003126.4(SPTA1):c.5530C>T (p.Arg1844Ter)

Gene: SPTA1 (spectrin alpha, erythrocytic 1; minus strand). Cytogenetic location: 1q23.1.
Variant type: single nucleotide variant.
Coding change: c.5530C>T on transcript NM_003126.4 (MANE Select); coding-DNA position 5530, C replaced by T.
Protein change: p.Arg1844Ter; replaces arginine 1844 with a stop codon.
Molecular consequence: nonsense.
Genome position (GRCh38, 1-based): chr1:158,634,578, G>A on the plus strand (C>T on the coding strand, the complement: SPTA1 is on the minus strand). VCF-style: chr1-158634578-G-A. GRCh37 (hg19) VCF-style: chr1-158604368-G-A.
Other names: short protein forms R1844*.
Identifiers: ClinVar variation 1879102 (VCV001879102.30), dbSNP rs1650918653, ClinGen allele CA343025864.

ClinVar aggregate classification (germline): Pathogenic. Review status: criteria provided, multiple submitters, no conflicts (2 of 4 stars). 2 submissions from 2 submitters: Pathogenic (2). Last evaluated 2023-11-08.

Allele frequency attached by ClinVar (database versions not stated): TOPMed 0.00001.
gnomAD v4.1: 1 of 1,613,936 alleles (0.000062%); highest among the groups gnomAD compares: Non-Finnish European, 0.000085%; no homozygotes.

Submissions (2):

Revvity Omics, Revvity
Classification: Pathogenic. Last evaluated: 2023-11-08. Review status: criteria provided, single submitter. Criteria: ACMG Guidelines, 2015. Collection method: clinical testing. Allele origin: germline.

CeGaT Center for Human Genetics Tuebingen
Classification: Pathogenic. Last evaluated: 2022-10-01. Review status: criteria provided, single submitter. Criteria: CeGaT Center For Human Genetics Tuebingen Variant Classification Criteria Version 2. Collection method: clinical testing. Allele origin: germline. Affected: yes. Observed: 1 variant allele.
Comment: SPTA1: PVS1, PM2